The following is an entry in ClinVar:

ClinVar aggregate classification (germline): Pathogenic (1 of 4 stars; one submission).

Conditions:
Achromatopsia 3 (ACHM3). Also called: ACHROMATOPSIA WITH MYOPIA; PINGELAPESE BLINDNESS; TOTAL COLORBLINDNESS WITH MYOPIA; ROD MONOCHROMACY 1; ROD MONOCHROMATISM 1. Identifiers: Orphanet 49382, MedGen C1849792, MONDO:0009875, OMIM 262300.

Submission:

Myriad Genetics, Inc.
Classification: Pathogenic for Achromatopsia 3. Last evaluated: 2026-01-07. Review status: criteria provided, single submitter. Criteria: Myriad Autosomal Dominant, Autosomal Recessive and X-Linked Classification Criteria (2023). Collection method: clinical testing. Allele origin: unknown.
Comment: NM_019098.4(CNGB3):c.884_894del11(R295Kfs*13) is expected to be pathogenic in the context of achromatopsia, CNGB3-related. This variant is predicted to lead to an abnormal or absent protein product due to the creation of a premature termination codon in CNGB3, a gene where loss-of-function variants are known to be pathogenic. Please note: this variant was assessed in the context of healthy population screening.

NM_019098.5(CNGB3):c.884_894del (p.Arg295fs)

Gene: CNGB3 (cyclic nucleotide gated channel subunit beta 3; minus strand). Cytogenetic location: 8q21.3.
Variant type: Deletion.
Coding change: c.884_894del on transcript NM_019098.5 (MANE Select); coding-DNA positions 884 to 894, 11 bases deleted (GGACTTCTACA).
Protein change: p.Arg295fs; shifts the reading frame from arginine 295.
Molecular consequence: frameshift variant.
Genome position (GRCh38, 1-based): chr8:86,654,021-86,654,031, TGTAGAAGTCC deleted on the plus strand (GGACTTCTACA on the coding strand, the reverse complement: CNGB3 is on the minus strand); deleting any 11 consecutive bases within chr8:86,654,021-86,654,036 gives the same sequence; the c. name uses the placement nearest the transcript's 3' end. VCF-style (leftmost placement, unchanged base first): chr8-86654020-TTGTAGAAGTCC-T. GRCh37 (hg19) VCF-style: chr8-87666248-TTGTAGAAGTCC-T.
Other names: short protein forms R295fs.
Identifiers: ClinVar variation 5015403 (VCV005015403.1).